The following is an entry in ClinVar:

ClinVar aggregate classification (germline): Likely pathogenic (1 of 4 stars; one submission).

Submission:

Dasa
Classification: Likely pathogenic. Last evaluated: 2026-03-04. Review status: criteria provided, single submitter. Criteria: DASA Assertion Criteria. Collection method: clinical testing. Allele origin: germline.
Comment: NM_004260.4(RECQL4):c.3031C>T (p.Gln1011*) is a nonsense variant in RECQL4 predicted to introduce a premature termination codon and is predicted to result in an absent or altered protein product. Loss of function is an established disease mechanism for RECQL4-associated disorders. Also, this variant is rare in population databases. Based on the currently available evidence, this variant is classified as likely pathogenic.

NM_004260.4(RECQL4):c.3031C>T (p.Gln1011Ter)

Gene: RECQL4 (RecQ like helicase 4; minus strand). Cytogenetic location: 8q24.3.
Variant type: single nucleotide variant.
Coding change: c.3031C>T on transcript NM_004260.4 (MANE Select); coding-DNA position 3031, C replaced by T.
Protein change: p.Gln1011Ter; replaces glutamine 1011 with a stop codon.
Molecular consequence: nonsense. On other transcripts: non-coding transcript variant (3).
Genome position (GRCh38, 1-based): chr8:144,512,416, G>A on the plus strand (C>T on the coding strand, the complement: RECQL4 is on the minus strand). VCF-style: chr8-144512416-G-A. GRCh37 (hg19) VCF-style: chr8-145737799-G-A.
Other names: c.2035C>T, p.Gln679Ter (NM_001413023.1); c.1960C>T, p.Gln654Ter (NM_001413024.1, NM_001413028.1, NM_001413021.1 and 4 more transcripts); c.2902C>T, p.Gln968Ter (NM_001413025.1); c.1894C>T, p.Gln632Ter (NM_001413027.1, NM_001413030.1, NM_001413032.1); c.2680C>T, p.Gln894Ter (NM_001413029.1); c.1762C>T, p.Gln588Ter (NM_001413031.1, NM_001413038.1); c.2899C>T, p.Gln967Ter (NM_001413033.1); c.2737C>T, p.Gln913Ter (NM_001413017.1); and 9 more; short protein forms Q1001*, Q1011*, Q1036*, Q522*, Q588*, Q610*, Q632*, Q644*.
Identifiers: ClinVar variation 4852605 (VCV004852605.2).